The following is an entry in ClinVar:

ClinVar aggregate classification (germline): Pathogenic/Likely pathogenic. Review status: criteria provided, multiple submitters, no conflicts (2 of 4 stars). 2 submissions from 2 submitters: Pathogenic (1); Likely pathogenic (1). Last evaluated 2024-01-23.

Conditions:
Fanconi anemia (FA). Also called: Fanconi's anemia. Identifiers: Orphanet 84, MedGen C0015625, MeSH D005199, MONDO:0019391.
Fanconi anemia complementation group F. Also called: FANCF-Related Fanconi Anemia. Identifiers: Orphanet 84, MedGen C3469526, MONDO:0011325, OMIM 603467.

Submissions (2):

Baylor Genetics
Classification: Likely pathogenic for Fanconi anemia complementation group F. Last evaluated: 2024-01-23. Review status: criteria provided, single submitter. Criteria: ACMG Guidelines, 2015. Collection method: clinical testing. Allele origin: unknown.

Labcorp Genetics (formerly Invitae), Labcorp
Classification: Pathogenic for Fanconi anemia. Last evaluated: 2023-07-29. Review status: criteria provided, single submitter. Criteria: Invitae Variant Classification Sherloc (09022015). Collection method: clinical testing. Allele origin: germline.
Comment: For these reasons, this variant has been classified as Pathogenic. This variant disrupts a region of the FANCF protein in which other variant(s) (p.Gly233Glufs*32) have been determined to be pathogenic (PMID: 11063725, 12649160, 27714961). This suggests that this is a clinically significant region of the protein, and that variants that disrupt it are likely to be disease-causing. This variant has not been reported in the literature in individuals affected with FANCF-related conditions. This variant is not present in population databases (gnomAD no frequency). This sequence change creates a premature translational stop signal (p.His45Glyfs*35) in the FANCF gene. While this is not anticipated to result in nonsense mediated decay, it is expected to disrupt the last 330 amino acid(s) of the FANCF protein.

Literature cited by the submitters: PubMed 11063725 (cited by Labcorp Genetics (formerly Invitae), Labcorp); PubMed 12649160 (cited by Labcorp Genetics (formerly Invitae), Labcorp); PubMed 27714961 (cited by Labcorp Genetics (formerly Invitae), Labcorp).

NM_022725.4(FANCF):c.133_136del (p.His45fs)

Gene: FANCF (FA complementation group F; minus strand). Cytogenetic location: 11p14.3.
Variant type: Microsatellite.
Coding change: c.133_136del on transcript NM_022725.4 (MANE Select); coding-DNA positions 133 to 136, 4 bases deleted (CATC; older notation c.133_136delCATC).
Protein change: p.His45fs; shifts the reading frame from histidine 45.
Molecular consequence: frameshift variant.
Genome position (GRCh38, 1-based): chr11:22,625,675-22,625,678, GATG deleted on the plus strand (CATC on the coding strand, the reverse complement: FANCF is on the minus strand); deleting any 4 consecutive bases within chr11:22,625,675-22,625,682 gives the same sequence; the c. name uses the placement nearest the transcript's 3' end. VCF-style (leftmost placement, unchanged base first): chr11-22625674-CGATG-C. GRCh37 (hg19) VCF-style: chr11-22647220-CGATG-C.
Other names: short protein forms H45fs.
Identifiers: ClinVar variation 2675556 (VCV002675556.5), dbSNP rs2494870839, ClinGen allele CA2695201119.